The following is an entry in ClinVar:

ClinVar aggregate classification (germline): Likely benign (1 of 4 stars; one submission).

gnomAD v4.1: 2,433 of 1,614,178 alleles (0.15%); highest among the groups gnomAD compares: Non-Finnish European, 0.19%; 3 homozygotes.

Submission:

CeGaT Center for Human Genetics Tuebingen
Classification: Likely benign. Last evaluated: 2025-04-01. Review status: criteria provided, single submitter. Criteria: CeGaT Center For Human Genetics Tuebingen Variant Classification Criteria Version 2. Collection method: clinical testing. Allele origin: germline. Affected: yes. Observed: 2 variant alleles.
Comment: WLS: BP4, BP7

NM_024911.7(WLS):c.168C>T (p.Asn56=)

Genes: GNG12-AS1 (GNG12, DIRAS3 and WLS antisense RNA 1; plus strand), WLS (Wnt ligand secretion mediator; minus strand). Cytogenetic location: 1p31.3.
Variant type: single nucleotide variant.
Coding change: c.168C>T on transcript NM_024911.7 (MANE Select); coding-DNA position 168, C replaced by T.
Protein change: p.Asn56=; no amino-acid change (asparagine 56 retained).
Molecular consequence: synonymous variant. On other transcripts: intron variant (1).
Genome position (GRCh38, 1-based): chr1:68,194,166, G>A on the plus strand (C>T on the coding strand, the complement: WLS is on the minus strand). VCF-style: chr1-68194166-G-A. GRCh37 (hg19) VCF-style: chr1-68659849-G-A.
Other names: c.162C>T, p.Asn54= (NM_001002292.4); c.107-34919C>T (NM_001193334.1).
Identifiers: ClinVar variation 3341520 (VCV003341520.16).
Genomic context (GRCh38, chr1:68,194,166, plus strand): 5'-GTCTCGGATCTTGTCACAATGATTGGGTCCCCAAGGCACGAACCATTTTGTCTTGTGATG[G>A]TTCTTACGGGCATCCACACATTTCACCGACATGTAGGACACTGCCGTTGTGGGCCCTGGA-3'
Protein context (NP_079187.3, residues 46-66): MSVKCVDARK[Asn56=]HHKTKWFVPW